The following is an entry in ClinVar:

ClinVar aggregate classification (germline): Conflicting classifications of pathogenicity. Review status: criteria provided, conflicting classifications (1 of 4 stars). 3 submissions from 3 submitters: Uncertain significance (1); Likely benign (2). Last evaluated 2025-12-31.

Conditions:
ADAMTS10-related disorder. Also called: ADAMTS10-related condition.
Weill-Marchesani syndrome. Also called: WM Syndrome; Mesodermal dysmorphodystrophy congenital. Identifiers: Orphanet 3449, MedGen C0265313, MONDO:0018096.

Allele frequency attached by ClinVar (database versions not stated): ExAC 0.00004; gnomAD 0.00007 and 0.00008; TOPMed 0.00008; 1000 Genomes Project 30x 0.00062; 1000 Genomes Project 0.00080.
gnomAD v4.1: 75 of 1,612,468 alleles (0.0047%); highest among the groups gnomAD compares: African/African-American, 0.068%; 2 homozygotes.

Submissions (3):

Labcorp Genetics (formerly Invitae), Labcorp
Classification: Likely benign. Last evaluated: 2025-12-31. Review status: criteria provided, single submitter. Criteria: Invitae Variant Classification Sherloc (09022015). Collection method: clinical testing. Allele origin: germline.

PreventionGenetics, part of Exact Sciences
Classification: Likely benign for ADAMTS10-related condition. Last evaluated: 2025-07-18. Review status: criteria provided, single submitter. Criteria: ACMG Guidelines, 2015. Collection method: clinical testing. Allele origin: germline.
Comment: This variant is classified as likely benign based on ACMG/AMP sequence variant interpretation guidelines (Richards et al. 2015 PMID: 25741868, with internal and published modifications).

Illumina Laboratory Services, Illumina
Classification: Uncertain significance for Weill-Marchesani syndrome. Last evaluated: 2018-01-13. Review status: criteria provided, single submitter. Criteria: ICSL Variant Classification Criteria 13 December 2019. Collection method: clinical testing. Allele origin: germline.

NM_030957.4(ADAMTS10):c.2130C>T (p.Gly710=)

Gene: ADAMTS10 (ADAM metallopeptidase with thrombospondin type 1 motif 10; minus strand). Cytogenetic location: 19p13.2.
Variant type: single nucleotide variant.
Coding change: c.2130C>T on transcript NM_030957.4 (MANE Select); coding-DNA position 2130, C replaced by T.
Protein change: p.Gly710=; no amino-acid change (glycine 710 retained).
Molecular consequence: synonymous variant.
Genome position (GRCh38, 1-based): chr19:8,589,270, G>A on the plus strand (C>T on the coding strand, the complement: ADAMTS10 is on the minus strand). VCF-style: chr19-8589270-G-A. GRCh37 (hg19) VCF-style: chr19-8654154-G-A.
Other names: c.591C>T, p.Gly197= (NM_001282352.2).
Identifiers: ClinVar variation 745984 (VCV000745984.13), dbSNP rs183691340, ClinGen allele CA9160214.